The following is an entry in ClinVar:

NM_152564.5(VPS13B):c.3730G>A (p.Gly1244Ser)

Gene: VPS13B (vacuolar protein sorting 13 homolog B; plus strand). Cytogenetic location: 8q22.2.
Variant type: single nucleotide variant.
Coding change: c.3730G>A on transcript NM_152564.5 (MANE Select); coding-DNA position 3730, G replaced by A.
Protein change: p.Gly1244Ser; replaces glycine 1244 with serine.
Molecular consequence: missense variant.
Genome position (GRCh38, 1-based): chr8:99,481,662, G>A. VCF-style: chr8-99481662-G-A. GRCh37 (hg19) VCF-style: chr8-100493890-G-A.
Other names: c.3730G>A, p.Gly1244Ser (NM_017890.5); short protein forms G1244S.
Identifiers: ClinVar variation 3357463 (VCV003357463.1).

ClinVar aggregate classification (germline): Uncertain significance (0 of 4 stars; one submission).

Conditions:
VPS13B-related disorder. Also called: VPS13B-related condition.

Submission:

PreventionGenetics, part of Exact Sciences
Classification: Uncertain significance for VPS13B-related condition. Last evaluated: 2024-04-30. Review status: no assertion criteria provided. Collection method: clinical testing. Allele origin: germline.
Comment: The VPS13B c.3730G>A variant is predicted to result in the amino acid substitution p.Gly1244Ser. To our knowledge, this variant has not been reported in the literature or in a large population database, indicating this variant is rare. At this time, the clinical significance of this variant is uncertain due to the absence of conclusive functional and genetic evidence.